The following is an entry in ClinVar:

ClinVar aggregate classification (germline): Pathogenic (0 of 4 stars; one submission).

Conditions:
Familial hypercholesterolemia. Also called: Familial hypercholesterolaemia. Identifiers: MedGen C0020445, MONDO:0005439.

Submission:

Research Laboratories, P. D. Hinduja Hospital & MRC
Classification: Pathogenic for Familial hypercholesterolemia. Last evaluated: 2022-12-16. Review status: no assertion criteria provided. Collection method: case-control. Allele origin: germline. Affected: yes. Observed: 1 variant allele, 1 heterozygote.
Comment: This variant was identified as part of the ICMR-funded project (Ref No. 2020-3881). A frameshift deletion in PIBF1 (NM_006346.4), exon 15: c.1939delA, resulting in a frameshift at threonine 647 and a premature stop codon 14 residues downstream (p.T647Qfs*14). To our knowledge, functional studies specific to this variant have not been reported. This variant has not been described in individuals with Familial Hypercholesterolemia (FH) in the literature; however, the PIBF1 gene is associated with lipid metabolism according to the LIPID MAPS Proteome Database (LMPD). Computational predictions using MutationTaster and PolyPhen-2 suggest that this variant is likely deleterious and possibly damaging to protein function (GRCh38)."

NM_006346.4(PIBF1):c.1939del (p.Ile647fs)

Gene: PIBF1 (progesterone immunomodulatory binding factor 1; plus strand). Cytogenetic location: 13q22.1.
Variant type: Deletion.
Coding change: c.1939del on transcript NM_006346.4 (MANE Select); coding-DNA position 1939, one base deleted (A; older notation c.1939delA).
Protein change: p.Ile647fs; shifts the reading frame from isoleucine 647.
Molecular consequence: frameshift variant. On other transcripts: non-coding transcript variant (2).
Genome position (GRCh38, 1-based): chr13:72,965,379, A deleted. VCF-style (leftmost placement, unchanged base first): chr13-72965378-TA-T. GRCh37 (hg19) VCF-style: chr13-73539516-TA-T.
Other names: c.2026del, p.Ile676fs (NM_001349655.2); c.1939delA (NM_006346.4); short protein forms I647fs, I676fs.
Identifiers: ClinVar variation 4082120 (VCV004082120.1).